The following is an entry in ClinVar:

NM_152703.5(SAMD9L):c.4436G>C (p.Gly1479Ala)

Gene: SAMD9L (sterile alpha motif domain containing 9 like; minus strand). Cytogenetic location: 7q21.2.
Variant type: single nucleotide variant.
Coding change: c.4436G>C on transcript NM_152703.5 (MANE Select); coding-DNA position 4436, G replaced by C.
Protein change: p.Gly1479Ala; replaces glycine 1479 with alanine.
Molecular consequence: missense variant.
Genome position (GRCh38, 1-based): chr7:93,131,536, C>G on the plus strand (G>C on the coding strand, the complement: SAMD9L is on the minus strand). VCF-style: chr7-93131536-C-G. GRCh37 (hg19) VCF-style: chr7-92760849-C-G.
Other names: c.4436G>C (NM_152703.3, NM_152703.2); c.4436G>C, p.Gly1479Ala (NM_001303496.3, NM_001303497.3, NM_001303498.3 and 5 more transcripts); short protein forms G1479A.
Identifiers: ClinVar variation 2903301 (VCV002903301.6), dbSNP rs781121824, ClinGen allele CA4343300.

ClinVar aggregate classification (germline): Uncertain significance. Review status: criteria provided, multiple submitters, no conflicts (2 of 4 stars). 4 submissions from 4 submitters: Uncertain significance (3). 1 of the submissions does not count toward it. Last evaluated 2024-11-25.

Conditions:
Inborn genetic diseases. Identifiers: MedGen C0950123, MeSH D030342.
SAMD9L-related disorder. Also called: SAMD9L-related condition; SAMD9L-related disorders.

Allele frequency attached by ClinVar (database versions not stated): ExAC 0.00002; TOPMed 0.00002; gnomAD 0.00003; gnomAD exomes 0.00003.
gnomAD v4.1: 48 of 1,613,810 alleles (0.003%); highest among the groups gnomAD compares: African/African-American, 0.004%; no homozygotes.

Submissions (4):

Ambry Genetics
Classification: Uncertain significance for Inborn genetic diseases. Last evaluated: 2024-11-25. Review status: criteria provided, single submitter. Criteria: Ambry Variant Classification Scheme 2023. Collection method: clinical testing. Allele origin: germline.
Comment: The p.G1479A variant (also known as c.4436G>C), located in coding exon 1 of the SAMD9L gene, results from a G to C substitution at nucleotide position 4436. The glycine at codon 1479 is replaced by alanine, an amino acid with similar properties. This amino acid position is conserved. In addition, this alteration is predicted to be tolerated by in silico analysis. Based on the available evidence, the clinical significance of this variant remains unclear.

Labcorp Genetics (formerly Invitae), Labcorp
Classification: Uncertain significance. Last evaluated: 2023-12-01. Review status: criteria provided, single submitter. Criteria: Invitae Variant Classification Sherloc (09022015). Collection method: clinical testing. Allele origin: germline.
Comment: This sequence change replaces glycine, which is neutral and non-polar, with alanine, which is neutral and non-polar, at codon 1479 of the SAMD9L protein (p.Gly1479Ala). This variant is present in population databases (rs781121824, gnomAD 0.008%). This variant has not been reported in the literature in individuals affected with SAMD9L-related conditions. Advanced modeling of protein sequence and biophysical properties (such as structural, functional, and spatial information, amino acid conservation, physicochemical variation, residue mobility, and thermodynamic stability) performed at Invitae indicates that this missense variant is not expected to disrupt SAMD9L protein function with a negative predictive value of 80%. In summary, the available evidence is currently insufficient to determine the role of this variant in disease. Therefore, it has been classified as a Variant of Uncertain Significance.

GeneDx
Classification: Uncertain significance. Last evaluated: 2023-06-15. Review status: criteria provided, single submitter. Criteria: GeneDx Variant Classification Process June 2021. Collection method: clinical testing. Allele origin: germline. Affected: yes.
Comment: Not observed at significant frequency in large population cohorts (gnomAD); In silico analysis supports that this missense variant has a deleterious effect on protein structure/function; Has not been previously published as pathogenic or benign to our knowledge

PreventionGenetics, part of Exact Sciences
Classification: Uncertain significance for SAMD9L-related condition. Last evaluated: 2024-06-12. Review status: no assertion criteria provided. Collection method: clinical testing. Allele origin: germline. Not counted in ClinVar's aggregate classification.
Comment: The SAMD9L c.4436G>C variant is predicted to result in the amino acid substitution p.Gly1479Ala. To our knowledge, this variant has not been reported in the literature. This variant is reported in 0.0080% of alleles in individuals of African descent in gnomAD. At this time, the clinical significance of this variant is uncertain due to the absence of conclusive functional and genetic evidence.